The following is an entry in ClinVar:

NM_005902.4(SMAD3):c.354C>G (p.Asp118Glu)

Gene: SMAD3 (SMAD family member 3; plus strand). Cytogenetic location: 15q22.33.
Variant type: single nucleotide variant.
Coding change: c.354C>G on transcript NM_005902.4 (MANE Select); coding-DNA position 354, C replaced by G.
Protein change: p.Asp118Glu; replaces aspartic acid 118 with glutamic acid.
Molecular consequence: missense variant.
Genome position (GRCh38, 1-based): chr15:67,165,042, C>G. VCF-style: chr15-67165042-C-G. GRCh37 (hg19) VCF-style: chr15-67457380-C-G.
Other names: c.39C>G, p.Asp13Glu (NM_001145102.2, NM_001407015.1, NM_001407016.1); c.222C>G, p.Asp74Glu (NM_001145103.2); c.354C>G, p.Asp118Glu (NM_001407011.1, NM_001407012.1, NM_001407013.1); c.207C>G, p.Asp69Glu (NM_001407014.1); short protein forms D69E, D74E, D118E, D13E.
Identifiers: ClinVar variation 3689836 (VCV003689836.2).

ClinVar aggregate classification (germline): Uncertain significance (1 of 4 stars; one submission).

Conditions:
Familial thoracic aortic aneurysm and aortic dissection (TAAD). Also called: Thoracic aortic aneurysms and dissections. Identifiers: Orphanet 91387, MedGen C4707243, MONDO:0019625.

gnomAD v4.1: 1 of 1,614,052 alleles (0.000062%); highest among the groups gnomAD compares: Non-Finnish European, 0.000085%; no homozygotes.

Submission:

Labcorp Genetics (formerly Invitae), Labcorp
Classification: Uncertain significance for Familial thoracic aortic aneurysm and aortic dissection. Last evaluated: 2025-04-23. Review status: criteria provided, single submitter. Criteria: Invitae Variant Classification Sherloc (09022015). Collection method: clinical testing. Allele origin: germline.
Comment: This sequence change replaces aspartic acid, which is acidic and polar, with glutamic acid, which is acidic and polar, at codon 118 of the SMAD3 protein (p.Asp118Glu). This variant is present in population databases (no rsID available, gnomAD 0.007%). This variant has not been reported in the literature in individuals affected with SMAD3-related conditions. ClinVar contains an entry for this variant (Variation ID: 3689836). Invitae Evidence Modeling of protein sequence and biophysical properties (such as structural, functional, and spatial information, amino acid conservation, physicochemical variation, residue mobility, and thermodynamic stability) indicates that this missense variant is not expected to disrupt SMAD3 protein function with a negative predictive value of 80%. In summary, the available evidence is currently insufficient to determine the role of this variant in disease. Therefore, it has been classified as a Variant of Uncertain Significance.